The following is an entry in ClinVar:

ClinVar aggregate classification (germline): Uncertain significance. Review status: criteria provided, multiple submitters, no conflicts (2 of 4 stars). 2 submissions from 2 submitters: Uncertain significance (2). Last evaluated 2026-04-10.

Conditions:
Hereditary cancer-predisposing syndrome. Also called: Hereditary Cancer Syndrome; Neoplastic Syndromes, Hereditary; Hereditary neoplastic syndrome; Tumor predisposition. Identifiers: Orphanet 140162, MedGen C0027672, MeSH D009386, MONDO:0015356.

Submissions (2):

Ambry Genetics
Classification: Uncertain significance for Hereditary cancer-predisposing syndrome. Last evaluated: 2026-04-10. Review status: criteria provided, single submitter. Criteria: Ambry Variant Classification Scheme 2023. Collection method: clinical testing. Allele origin: germline.
Comment: The p.D18N variant (also known as c.52G>A), located in coding exon 1 of the MEN1 gene, results from a G to A substitution at nucleotide position 52. The aspartic acid at codon 18 is replaced by asparagine, an amino acid with highly similar properties. This amino acid position is well conserved in available vertebrate species. In addition, the in silico prediction for this alteration is inconclusive. Based on the available evidence, the clinical significance of this variant remains unclear.

Sema4
Classification: Uncertain significance for Hereditary cancer-predisposing syndrome. Last evaluated: 2021-10-11. Review status: criteria provided, single submitter. Criteria: Sema4 Curation Guidelines. Collection method: curation. Allele origin: germline.
Comment: The MEN1 c.52G>A (p.D18N) variant has not been reported in the literature to our knowledge. It was not observed in the Genome Aggregation Database (PMID: 32461654). The variant has not been reported in ClinVar. Functional studies have not been performed, and in silico predictions of the variant's effect on protein function are inconclusive. The evidence is insufficient to meet ACMG/AMP criteria for classifying the variant as benign or pathogenic. Thus, the clinical significance of this variant is currently uncertain.

NM_001370259.2(MEN1):c.52G>A (p.Asp18Asn)

Gene: MEN1 (menin 1; minus strand). Cytogenetic location: 11q13.1.
Variant type: single nucleotide variant.
Coding change: c.52G>A on transcript NM_001370259.2 (MANE Select); coding-DNA position 52, G replaced by A.
Protein change: p.Asp18Asn; replaces aspartic acid 18 with asparagine.
Molecular consequence: missense variant.
Genome position (GRCh38, 1-based): chr11:64,810,058, C>T on the plus strand (G>A on the coding strand, the complement: MEN1 is on the minus strand). VCF-style: chr11-64810058-C-T. GRCh37 (hg19) VCF-style: chr11-64577530-C-T.
Other names: c.52G>A, p.Asp18Asn (NM_000244.4, NM_001370251.2, NM_001370260.2 and 9 more transcripts); short protein forms D18N.
Identifiers: ClinVar variation 1692069 (VCV001692069.2), dbSNP rs2136195598, ClinGen allele CA381188155.
Genomic context (GRCh38, chr11:64,810,058, plus strand): 5'-AAAGGAGCACCAGGTCCGGCTCCTCTCGGCCCAGCTCGGCAGCAAACAGGCGCACCACGT[C>T]GTCGATGGAGCGCAGCGGGAACAGCGTCTTCTGGGCGGCCTTCAGCCCCATGGCGGCGGG-3'
Protein context (NP_001357188.2, residues 8-28): KTLFPLRSID[Asp18Asn]VVRLFAAELG